The following is an entry in ClinVar:

ClinVar aggregate classification (germline): Benign/Likely benign. Review status: criteria provided, multiple submitters, no conflicts (2 of 4 stars). 2 submissions from 2 submitters: Benign (1); Likely benign (1). Last evaluated 2025-10-25.

Conditions:
Hereditary cancer-predisposing syndrome. Also called: Hereditary Cancer Syndrome; Hereditary neoplastic syndrome; Neoplastic Syndromes, Hereditary; Tumor predisposition. Identifiers: Orphanet 140162, MedGen C0027672, MeSH D009386, MONDO:0015356.
Familial cancer of breast. Also called: Hereditary breast cancer; hereditary breast carcinoma; BREAST CANCER, FAMILIAL. Identifiers: Orphanet 227535, MedGen C0346153, MONDO:0016419, OMIM 114480. Disease mechanism: loss of function.

Submissions (2):

Ambry Genetics
Classification: Likely benign for Hereditary cancer-predisposing syndrome. Last evaluated: 2025-10-25. Review status: criteria provided, single submitter. Criteria: Ambry Variant Classification Scheme 2023. Collection method: clinical testing. Allele origin: germline.

Myriad Genetics, Inc.
Classification: Benign for Familial cancer of breast. Last evaluated: 2025-01-16. Review status: criteria provided, single submitter. Criteria: Myriad Autosomal Dominant, Autosomal Recessive and X-Linked Classification Criteria (2023). Collection method: clinical testing. Allele origin: unknown.
Comment: This variant is considered benign. This variant is a silent/synonymous amino acid change and it is not expected to impact splicing.

NM_024675.4(PALB2):c.2469C>T (p.Leu823=)

Gene: PALB2 (partner and localizer of BRCA2; minus strand). Cytogenetic location: 16p12.2.
Variant type: single nucleotide variant.
Coding change: c.2469C>T on transcript NM_024675.4 (MANE Select); coding-DNA position 2469, C replaced by T.
Protein change: p.Leu823=; no amino-acid change (leucine 823 retained).
Molecular consequence: synonymous variant. On other transcripts: intron variant (1).
Genome position (GRCh38, 1-based): chr16:23,629,685, G>A on the plus strand (C>T on the coding strand, the complement: PALB2 is on the minus strand). VCF-style: chr16-23629685-G-A. GRCh37 (hg19) VCF-style: chr16-23641006-G-A.
Other names: c.2409C>T, p.Leu803= (NM_001407296.1); c.2469C>T, p.Leu823= (NM_001407297.1, NM_001407298.1, NM_001407299.1 and 3 more transcripts); c.1584C>T, p.Leu528= (NM_001407304.1, NM_001407305.1, NM_001407306.1 and 5 more transcripts); c.681C>T, p.Leu227= (NM_001407312.1, NM_001407313.1); c.49-410C>T (NM_001407314.1).
Identifiers: ClinVar variation 3903896 (VCV003903896.2).